The following is an entry in ClinVar:

NM_014000.3(VCL):c.2282A>G (p.Asn761Ser)

Gene: VCL (vinculin; plus strand). Cytogenetic location: 10q22.2.
Variant type: single nucleotide variant.
Coding change: c.2282A>G on transcript NM_014000.3 (MANE Select); coding-DNA position 2282, A replaced by G.
Protein change: p.Asn761Ser; replaces asparagine 761 with serine.
Molecular consequence: missense variant.
Genome position (GRCh38, 1-based): chr10:74,105,201, A>G. VCF-style: chr10-74105201-A-G. GRCh37 (hg19) VCF-style: chr10-75864959-A-G.
Other names: c.2282A>G, p.Asn761Ser (NM_003373.4); short protein forms N761S.
Identifiers: ClinVar variation 1906165 (VCV001906165.5), dbSNP rs1840112313, ClinGen allele CA377262361.

ClinVar aggregate classification (germline): Uncertain significance (1 of 4 stars; one submission).

Conditions:
Dilated cardiomyopathy 1W (CMD1W). Identifiers: Orphanet 154, MedGen C1969639, MONDO:0012667, OMIM 611407.

Allele frequency attached by ClinVar (database versions not stated): gnomAD exomes below 0.00001; TOPMed below 0.00001.
gnomAD v4.1: 1 of 1,614,198 alleles (0.000062%); highest among the groups gnomAD compares: Non-Finnish European, 0.000085%; no homozygotes.

Submission:

Labcorp Genetics (formerly Invitae), Labcorp
Classification: Uncertain significance for Dilated cardiomyopathy 1W. Last evaluated: 2023-08-02. Review status: criteria provided, single submitter. Criteria: Invitae Variant Classification Sherloc (09022015). Collection method: clinical testing. Allele origin: germline.
Comment: An algorithm developed to predict the effect of missense changes on protein structure and function (PolyPhen-2) suggests that this variant is likely to be disruptive. In summary, the available evidence is currently insufficient to determine the role of this variant in disease. Therefore, it has been classified as a Variant of Uncertain Significance. ClinVar contains an entry for this variant (Variation ID: 1906165). This variant has not been reported in the literature in individuals affected with VCL-related conditions. This variant is not present in population databases (gnomAD no frequency). This sequence change replaces asparagine, which is neutral and polar, with serine, which is neutral and polar, at codon 761 of the VCL protein (p.Asn761Ser).